The following is an entry in ClinVar:

NM_006912.6(RIT1):c.115A>G (p.Met39Val)

Gene: RIT1 (Ras like without CAAX 1; minus strand). Cytogenetic location: 1q22.
Variant type: single nucleotide variant.
Coding change: c.115A>G on transcript NM_006912.6 (MANE Select); coding-DNA position 115, A replaced by G.
Protein change: p.Met39Val; replaces methionine 39 with valine.
Molecular consequence: missense variant.
Genome position (GRCh38, 1-based): chr1:155,910,498, T>C on the plus strand (A>G on the coding strand, the complement: RIT1 is on the minus strand). VCF-style: chr1-155910498-T-C. GRCh37 (hg19) VCF-style: chr1-155880289-T-C.
Other names: c.7A>G, p.Met3Val (NM_001256820.2); c.166A>G, p.Met56Val (NM_001256821.2); short protein forms M39V, M3V, M56V.
Identifiers: ClinVar variation 1736204 (VCV001736204.2), dbSNP rs769298435, ClinGen allele CA1151883.

ClinVar aggregate classification (germline): Uncertain significance (1 of 4 stars; one submission).

Conditions:
Cardiovascular phenotype. Identifiers: MedGen CN230736.

Allele frequency attached by ClinVar (database versions not stated): gnomAD exomes below 0.00001; ExAC 0.00001.
gnomAD v4.1: 1 of 1,614,194 alleles (0.000062%); highest among the groups gnomAD compares: Non-Finnish European, 0.000085%; no homozygotes.

Submission:

Ambry Genetics
Classification: Uncertain significance for Cardiovascular phenotype. Last evaluated: 2021-10-25. Review status: criteria provided, single submitter. Criteria: Ambry Variant Classification Scheme 2023. Collection method: clinical testing. Allele origin: germline.
Comment: The p.M39V variant (also known as c.115A>G), located in coding exon 2 of the RIT1 gene, results from an A to G substitution at nucleotide position 115. The methionine at codon 39 is replaced by valine, an amino acid with highly similar properties. This amino acid position is conserved. In addition, the in silico prediction for this alteration is inconclusive. Since supporting evidence is limited at this time, the clinical significance of this alteration remains unclear.